The following is an entry in ClinVar:

ClinVar aggregate classification (germline): Benign/Likely benign. Review status: criteria provided, multiple submitters, no conflicts (2 of 4 stars). 5 submissions from 5 submitters: Benign (3); Likely benign (2). Last evaluated 2026-03-01.

Conditions:
Hyperthyroxinemia, familial dysalbuminemic (FDAH). Also called: EUTHYROID HYPERTHYROXINEMIA 1. Identifiers: MedGen C0342185, MONDO:0014448, OMIM 615999.

Allele frequency attached by ClinVar (database versions not stated): ExAC 0.00193; gnomAD 0.00201 and 0.00205; TOPMed 0.00249; ESP Exome Variant Server 0.00269; gnomAD exomes 0.00286 and 0.00182; 1000 Genomes Project 0.00080; 1000 Genomes Project 30x 0.00094.
gnomAD v4.1: 4,471 of 1,613,962 alleles (0.28%); highest among the groups gnomAD compares: Non-Finnish European, 0.35%; 10 homozygotes.

Submissions (5):

CeGaT Center for Human Genetics Tuebingen
Classification: Likely benign. Last evaluated: 2026-03-01. Review status: criteria provided, single submitter. Criteria: CeGaT Center For Human Genetics Tuebingen Variant Classification Criteria Version 2. Collection method: clinical testing. Allele origin: germline. Affected: yes. Observed: 1 variant allele.
Comment: ALB: BP4, BP7

Labcorp Genetics (formerly Invitae), Labcorp
Classification: Benign. Last evaluated: 2025-09-02. Review status: criteria provided, single submitter. Criteria: Invitae Variant Classification Sherloc (09022015). Collection method: clinical testing. Allele origin: germline.

Blueprint Genetics
Classification: Likely benign. Last evaluated: 2024-11-19. Review status: criteria provided, single submitter. Criteria: ACMG Guidelines, 2015. Collection method: clinical testing. Allele origin: germline.

Illumina Laboratory Services, Illumina
Classification: Benign for Hyperthyroxinemia, familial dysalbuminemic. Last evaluated: 2018-01-13. Review status: criteria provided, single submitter. Criteria: ICSL Variant Classification Criteria 13 December 2019. Collection method: clinical testing. Allele origin: germline.
Comment: This variant was observed in the ICSL laboratory as part of a predisposition screen in an ostensibly healthy population. It had not been previously curated by ICSL or reported in the Human Gene Mutation Database (HGMD: prior to June 1st, 2018), and was therefore a candidate for classification through an automated scoring system. Utilizing variant allele frequency, disease prevalence and penetrance estimates, and inheritance mode, an automated score was calculated to assess if this variant is too frequent to cause the disease. Based on the score and internal cut-off values, a variant classified as benign is not then subjected to further curation. The score for this variant resulted in a classification of benign for this disease.

Breakthrough Genomics
Classification: Benign. Review status: criteria provided, single submitter. Criteria: ACMG Guidelines, 2015. Collection method: not provided. Allele origin: germline. Inheritance: Autosomal recessive inheritance. Affected: yes.

NM_000477.7(ALB):c.612A>G (p.Pro204=)

Gene: ALB (albumin; plus strand). Cytogenetic location: 4q13.3.
Variant type: single nucleotide variant.
Coding change: c.612A>G on transcript NM_000477.7 (MANE Select); coding-DNA position 612, A replaced by G.
Protein change: p.Pro204=; no amino-acid change (proline 204 retained).
Molecular consequence: synonymous variant.
Genome position (GRCh38, 1-based): chr4:73,409,484, A>G. VCF-style: chr4-73409484-A-G. GRCh37 (hg19) VCF-style: chr4-74275201-A-G.
Identifiers: ClinVar variation 349620 (VCV000349620.19), dbSNP rs58639526, ClinGen allele CA2959393.